The following is an entry in ClinVar:

NM_002617.4(PEX10):c.718A>G (p.Arg240Gly)

Gene: PEX10 (peroxisomal biogenesis factor 10; minus strand). Cytogenetic location: 1p36.32.
Variant type: single nucleotide variant.
Coding change: c.718A>G on transcript NM_002617.4 (MANE Select); coding-DNA position 718, A replaced by G.
Protein change: p.Arg240Gly; replaces arginine 240 with glycine.
Molecular consequence: missense variant. On other transcripts: non-coding transcript variant (1).
Genome position (GRCh38, 1-based): chr1:2,406,778, T>C on the plus strand (A>G on the coding strand, the complement: PEX10 is on the minus strand). VCF-style: chr1-2406778-T-C. GRCh37 (hg19) VCF-style: chr1-2338217-T-C.
Other names: c.775A>G, p.Arg259Gly (NM_001374425.1); c.343A>G, p.Arg115Gly (NM_001374426.1); c.286A>G, p.Arg96Gly (NM_001374427.1); c.778A>G, p.Arg260Gly (NM_153818.2); short protein forms R115G, R240G, R259G, R260G, R96G.
Identifiers: ClinVar variation 1005013 (VCV001005013.6), dbSNP rs1424367364, ClinGen allele CA337985296.

ClinVar aggregate classification (germline): Uncertain significance. Review status: criteria provided, single submitter (1 of 4 stars). 2 submissions from 2 submitters: Uncertain significance (1). 1 of the submissions does not count toward it. Last evaluated 2020-09-09.

Conditions:
Zellweger spectrum disorders (ZS). Also called: Zellweger Spectrum Disorder; Zellweger Spectrum; Zellweger syndrome; Zellweger Spectrum Disorder (ZSD). Identifiers: Orphanet 912, MedGen C0043459, MONDO:0019609.
Peroxisome biogenesis disorder, complementation group 7 (CG7). Also called: Peroxisome biogenesis disorder, complementation group B. Identifiers: MedGen C1864399.

Allele frequency attached by ClinVar (database versions not stated): gnomAD 0.00001; gnomAD exomes 0.00002.
gnomAD v4.1: 25 of 1,610,188 alleles (0.0016%); highest among the groups gnomAD compares: Admixed American, 0.0034%; no homozygotes.

Submissions (2):

Labcorp Genetics (formerly Invitae), Labcorp
Classification: Uncertain significance for Peroxisome biogenesis disorder, complementation group 7. Last evaluated: 2020-09-09. Review status: criteria provided, single submitter. Criteria: Invitae Variant Classification Sherloc (09022015). Collection method: clinical testing. Allele origin: germline.
Comment: In summary, the available evidence is currently insufficient to determine the role of this variant in disease. Therefore, it has been classified as a Variant of Uncertain Significance. Algorithms developed to predict the effect of missense changes on protein structure and function are either unavailable or do not agree on the potential impact of this missense change (SIFT: "Deleterious"; PolyPhen-2: "Benign"; Align-GVGD: "Class C15"). This variant has not been reported in the literature in individuals with PEX10-related conditions. This variant is not present in population databases (ExAC no frequency). This sequence change replaces arginine with glycine at codon 260 of the PEX10 protein (p.Arg260Gly). The arginine residue is moderately conserved and there is a moderate physicochemical difference between arginine and glycine.

Natera, Inc.
Classification: Uncertain significance for Zellweger syndrome. Last evaluated: 2020-09-26. Review status: no assertion criteria provided. Collection method: clinical testing. Allele origin: germline. Not counted in ClinVar's aggregate classification.